The following is an entry in ClinVar:

NM_001122769.3(LCA5):c.301A>G (p.Thr101Ala)

Gene: LCA5 (lebercilin LCA5; minus strand). Cytogenetic location: 6q14.1.
Variant type: single nucleotide variant.
Coding change: c.301A>G on transcript NM_001122769.3 (MANE Select); coding-DNA position 301, A replaced by G.
Protein change: p.Thr101Ala; replaces threonine 101 with alanine.
Molecular consequence: missense variant.
Genome position (GRCh38, 1-based): chr6:79,513,631, T>C on the plus strand (A>G on the coding strand, the complement: LCA5 is on the minus strand). VCF-style: chr6-79513631-T-C. GRCh37 (hg19) VCF-style: chr6-80223348-T-C.
Other names: c.301A>G, p.Thr101Ala (NM_181714.4); short protein forms T101A.
Identifiers: ClinVar variation 2051892 (VCV002051892.2), dbSNP rs746720268, ClinGen allele CA3901143.
Genomic context (GRCh38, chr6:79,513,631, plus strand): 5'-CAGATACTTCATTCTGCAACTCATTGATTTTTAGCAGTCTTGCAGACAGAATCCGTTTTG[T>C]AACAAGATCAGTATCTTTCCGAAGTGGCTCTCTATTGAGGCTCTGGGAGCGAAATCCCAC-3'
Protein context (NP_001116241.1, residues 91-111): EPLRKDTDLV[Thr101Ala]KRILSARLLK

ClinVar aggregate classification (germline): Uncertain significance. Review status: criteria provided, multiple submitters, no conflicts (2 of 4 stars). 2 submissions from 2 submitters: Uncertain significance (2). Last evaluated 2022-08-13.

Allele frequency attached by ClinVar (database versions not stated): gnomAD exomes 0.00001; ExAC 0.00002; TOPMed 0.00002; gnomAD 0.00003.
gnomAD v4.1: 13 of 1,613,760 alleles (0.00081%); highest among the groups gnomAD compares: East Asian, 0.029%; no homozygotes.

Submissions (2):

Blueprint Genetics
Classification: Uncertain significance. Last evaluated: 2022-08-13. Review status: criteria provided, single submitter. Criteria: ACMG Guidelines, 2015. Collection method: clinical testing. Allele origin: germline.

Labcorp Genetics (formerly Invitae), Labcorp
Classification: Uncertain significance. Last evaluated: 2021-08-27. Review status: criteria provided, single submitter. Criteria: Invitae Variant Classification Sherloc (09022015). Collection method: clinical testing. Allele origin: germline.
Comment: This sequence change replaces threonine with alanine at codon 101 of the LCA5 protein (p.Thr101Ala). The threonine residue is moderately conserved and there is a small physicochemical difference between threonine and alanine. This variant is present in population databases (rs746720268, ExAC 0.02%). This variant has not been reported in the literature in individuals affected with LCA5-related conditions. Algorithms developed to predict the effect of missense changes on protein structure and function are either unavailable or do not agree on the potential impact of this missense change (SIFT: "Tolerated"; PolyPhen-2: "Possibly Damaging"; Align-GVGD: "Class C0"). In summary, the available evidence is currently insufficient to determine the role of this variant in disease. Therefore, it has been classified as a Variant of Uncertain Significance.